The following is an entry in ClinVar:

NM_014727.3(KMT2B):c.7159+6G>A

Gene: KMT2B (lysine methyltransferase 2B; plus strand). Cytogenetic location: 19q13.12.
Variant type: single nucleotide variant.
Coding change: c.7159+6G>A on transcript NM_014727.3 (MANE Select); 6 bases into the intron after coding-DNA position 7159, G replaced by A.
Molecular consequence: intron variant.
Genome position (GRCh38, 1-based): chr19:35,733,878, G>A. VCF-style: chr19-35733878-G-A. GRCh37 (hg19) VCF-style: chr19-36224779-G-A.
Identifiers: ClinVar variation 4760543 (VCV004760543.1).

ClinVar aggregate classification (germline): Uncertain significance (1 of 4 stars; one submission).

Submission:

Labcorp Genetics (formerly Invitae), Labcorp
Classification: Uncertain significance. Last evaluated: 2025-12-22. Review status: criteria provided, single submitter. Criteria: Invitae Variant Classification Sherloc (09022015). Collection method: clinical testing. Allele origin: germline.
Comment: This sequence change falls in intron 30 of the KMT2B gene. It does not directly change the encoded amino acid sequence of the KMT2B protein. It affects a nucleotide within the consensus splice site. This variant is not present in population databases (gnomAD no frequency). This variant has not been reported in the literature in individuals affected with KMT2B-related conditions. Variants that disrupt the consensus splice site are a relatively common cause of aberrant splicing (PMID: 17576681, 9536098). Algorithms developed to predict the effect of sequence changes on RNA splicing suggest that this variant is not likely to affect RNA splicing. In summary, the available evidence is currently insufficient to determine the role of this variant in disease. Therefore, it has been classified as a Variant of Uncertain Significance.

Literature cited by the submitters: PubMed 17576681; PubMed 9536098.